The following is an entry in ClinVar:

ClinVar aggregate classification (germline): Uncertain significance (1 of 4 stars; one submission).

Submission:

Labcorp Genetics (formerly Invitae), Labcorp
Classification: Uncertain significance. Last evaluated: 2024-10-16. Review status: criteria provided, single submitter. Criteria: Invitae Variant Classification Sherloc (09022015). Collection method: clinical testing. Allele origin: germline.
Comment: This sequence change replaces tryptophan, which is neutral and slightly polar, with arginine, which is basic and polar, at codon 1030 of the COL18A1 protein (p.Trp1030Arg). This variant is not present in population databases (gnomAD no frequency). This variant has not been reported in the literature in individuals affected with COL18A1-related conditions. ClinVar contains an entry for this variant (Variation ID: 1993226). Experimental studies and prediction algorithms are not available or were not evaluated, and the functional significance of this variant is currently unknown. In summary, the available evidence is currently insufficient to determine the role of this variant in disease. Therefore, it has been classified as a Variant of Uncertain Significance.

NM_001379500.1(COL18A1):c.3097T>C (p.Trp1033Arg)

Genes: COL18A1 (collagen type XVIII alpha 1 chain; plus strand), SLC19A1 (solute carrier family 19 member 1; minus strand). Cytogenetic location: 21q22.3.
Variant type: single nucleotide variant.
Coding change: c.3097T>C on transcript NM_001379500.1 (MANE Select); coding-DNA position 3097, T replaced by C.
Protein change: p.Trp1033Arg; replaces tryptophan 1033 with arginine.
Molecular consequence: missense variant.
Genome position (GRCh38, 1-based): chr21:45,505,847, T>C. VCF-style: chr21-45505847-T-C. GRCh37 (hg19) VCF-style: chr21-46925761-T-C.
Other names: c.3628T>C, p.Trp1210Arg (NM_030582.4); c.4333T>C, p.Trp1445Arg (NM_130444.3); short protein forms W1033R, W1210R, W1445R.
Identifiers: ClinVar variation 1993226 (VCV001993226.4), dbSNP rs2517802185, ClinGen allele CA410499840.